The following is an entry in ClinVar:

NM_000182.5(HADHA):c.761del (p.Lys254fs)

Gene: HADHA (hydroxyacyl-CoA dehydrogenase trifunctional multienzyme complex subunit alpha; minus strand). Cytogenetic location: 2p23.3.
Variant type: Deletion.
Coding change: c.761del on transcript NM_000182.5 (MANE Select); coding-DNA position 761, one base deleted (A; older notation c.761delA).
Protein change: p.Lys254fs; shifts the reading frame from lysine 254.
Molecular consequence: frameshift variant.
Genome position (GRCh38, 1-based): chr2:26,215,091, T deleted on the plus strand (A on the coding strand, the reverse complement: HADHA is on the minus strand); the first of 2 consecutive T bases (chr2:26,215,091-26,215,092); deleting either gives the same sequence. VCF-style (leftmost placement, unchanged base first): chr2-26215090-CT-C. GRCh37 (hg19) VCF-style: chr2-26437959-CT-C.
Other names: short protein forms K254fs.
Identifiers: ClinVar variation 1725719 (VCV001725719.3), dbSNP rs2465561815, ClinGen allele CA2580066167.

ClinVar aggregate classification (germline): Likely pathogenic (1 of 4 stars; one submission).

Conditions:
Long chain 3-hydroxyacyl-CoA dehydrogenase deficiency. Also called: LCHAD Deficiency; Deficiency of long-chain 3-hydroxyacyl-coenzyme A dehydrogenase. Identifiers: Orphanet 5, MedGen C3711645, MONDO:0012173, OMIM 609016.

Submission:

Myriad Genetics, Inc.
Classification: Likely pathogenic for Long chain 3-hydroxyacyl-CoA dehydrogenase deficiency. Last evaluated: 2022-03-31. Review status: criteria provided, single submitter. Criteria: Myriad Autosomal Dominant, Autosomal Recessive and X-Linked Classification Criteria (2023). Collection method: clinical testing. Allele origin: unknown.
Comment: NM_000182.4(HADHA):c.761delA(K254Rfs*15) is expected to be pathogenic in the context of HADHA-related disorders. This variant is predicted to lead to an abnormal or absent protein product due to the creation of a premature termination codon in HADHA, a gene where loss-of-function variants are known to be pathogenic. Please note: this variant was assessed in the context of healthy population screening.